The following is an entry in ClinVar:

NM_001286445.3(RIPOR2):c.1880G>A (p.Ser627Asn)

Gene: RIPOR2 (RHO family interacting cell polarization regulator 2; minus strand). Cytogenetic location: 6p22.3.
Variant type: single nucleotide variant.
Coding change: c.1880G>A on transcript NM_001286445.3 (MANE Select); coding-DNA position 1880, G replaced by A.
Protein change: p.Ser627Asn; replaces serine 627 with asparagine.
Molecular consequence: missense variant.
Genome position (GRCh38, 1-based): chr6:24,839,250, C>T on the plus strand (G>A on the coding strand, the complement: RIPOR2 is on the minus strand). VCF-style: chr6-24839250-C-T. GRCh37 (hg19) VCF-style: chr6-24839478-C-T.
Other names: c.1793G>A, p.Ser598Asn (NM_001346031.2, NM_001346032.2); c.1943G>A, p.Ser648Asn (NM_014722.5); c.1943G>A (NM_014722.2); short protein forms S598N, S627N, S648N.
Identifiers: ClinVar variation 2628912 (VCV002628912.4), dbSNP rs777666678, ClinGen allele CA3659147.

ClinVar aggregate classification (germline): Uncertain significance. Review status: criteria provided, multiple submitters, no conflicts (2 of 4 stars). 3 submissions from 3 submitters: Uncertain significance (3). Last evaluated 2024-11-15.

Conditions:
RIPOR2-related disorder. Also called: RIPOR2-related condition.

Allele frequency attached by ClinVar (database versions not stated): TOPMed 0.00003; ExAC 0.00005; gnomAD exomes 0.00006; gnomAD 0.00007.
gnomAD v4.1: 99 of 1,551,750 alleles (0.0064%); highest among the groups gnomAD compares: Non-Finnish European, 0.0082%; no homozygotes.

Submissions (3):

Ambry Genetics
Classification: Uncertain significance. Last evaluated: 2024-11-15. Review status: criteria provided, single submitter. Criteria: Ambry Variant Classification Scheme 2023. Collection method: clinical testing. Allele origin: germline.

Labcorp Genetics (formerly Invitae), Labcorp
Classification: Uncertain significance. Last evaluated: 2024-07-02. Review status: criteria provided, single submitter. Criteria: Invitae Variant Classification Sherloc (09022015). Collection method: clinical testing. Allele origin: germline.
Comment: This sequence change replaces serine, which is neutral and polar, with asparagine, which is neutral and polar, at codon 648 of the FAM65B protein (p.Ser648Asn). This variant is present in population databases (rs777666678, gnomAD 0.01%). This variant has not been reported in the literature in individuals affected with FAM65B-related conditions. ClinVar contains an entry for this variant (Variation ID: 2628912). An algorithm developed to predict the effect of missense changes on protein structure and function (PolyPhen-2) suggests that this variant is likely to be disruptive. In summary, the available evidence is currently insufficient to determine the role of this variant in disease. Therefore, it has been classified as a Variant of Uncertain Significance.

PreventionGenetics, part of Exact Sciences
Classification: Uncertain significance for RIPOR2-related condition. Last evaluated: 2022-12-28. Review status: criteria provided, single submitter. Criteria: ACMG Guidelines, 2015. Collection method: clinical testing. Allele origin: germline.
Comment: The RIPOR2 c.1943G>A variant is predicted to result in the amino acid substitution p.Ser648Asn. To our knowledge, this variant has not been reported in the literature. This variant is reported in 0.014% of alleles in individuals of European (Non-Finnish) descent in gnomAD. At this time, the clinical significance of this variant is uncertain due to the absence of conclusive functional and genetic evidence.